The following is an entry in ClinVar:

ClinVar aggregate classification (germline): Conflicting classifications of pathogenicity. Review status: criteria provided, conflicting classifications (1 of 4 stars). 4 submissions from 4 submitters: Uncertain significance (1); Likely benign (2). 1 of the submissions does not count toward it. Last evaluated 2024-02-23.

Conditions:
APC-related disorder. Also called: APC-related condition.
Hereditary cancer-predisposing syndrome. Also called: Hereditary Cancer Syndrome; Tumor predisposition; Neoplastic Syndromes, Hereditary; Hereditary neoplastic syndrome. Identifiers: Orphanet 140162, MedGen C0027672, MeSH D009386, MONDO:0015356.
Familial adenomatous polyposis 1 (FAP1). Also called: FAMILIAL ADENOMATOUS POLYPOSIS 1, ATTENUATED; POLYPOSIS, ADENOMATOUS INTESTINAL. Identifiers: MedGen C2713442, MONDO:0021056, OMIM 175100. Disease mechanism: loss of function.

Submissions (4):

Myriad Genetics, Inc.
Classification: Likely benign for Familial adenomatous polyposis 1. Last evaluated: 2024-02-23. Review status: criteria provided, single submitter. Criteria: Myriad Autosomal Dominant, Autosomal Recessive and X-Linked Classification Criteria (2023). Collection method: clinical testing. Allele origin: unknown.
Comment: This variant is considered likely benign. This variant is intronic and is not expected to impact mRNA splicing.

Quest Diagnostics Nichols Institute San Juan Capistrano
Classification: Uncertain significance. Last evaluated: 2021-05-18. Review status: criteria provided, single submitter. Criteria: Quest Diagnostics criteria. Collection method: clinical testing. Allele origin: unknown.

Ambry Genetics
Classification: Likely benign for Hereditary cancer-predisposing syndrome. Last evaluated: 2021-01-15. Review status: criteria provided, single submitter. Criteria: Ambry Variant Classification Scheme 2023. Collection method: clinical testing. Allele origin: germline.

PreventionGenetics, part of Exact Sciences
Classification: Likely benign for APC-related condition. Last evaluated: 2024-08-22. Review status: no assertion criteria provided. Collection method: clinical testing. Allele origin: germline. Not counted in ClinVar's aggregate classification.
Comment: This variant is classified as likely benign based on ACMG/AMP sequence variant interpretation guidelines (Richards et al. 2015 PMID: 25741868, with internal and published modifications).

NM_000038.6(APC):c.423-6_423-4del

Gene: APC (APC regulator of Wnt signaling pathway; plus strand). Cytogenetic location: 5q22.2.
Variant type: Deletion.
Coding change: c.423-6_423-4del on transcript NM_000038.6 (MANE Select); 6 bases into the intron before coding-DNA position 423 through 4 bases into the intron before coding-DNA position 423, 3 bases deleted (AAA; older notation c.423-6_423-4delAAA).
Molecular consequence: intron variant.
Genome position (GRCh38, 1-based): chr5:112,775,623-112,775,625, AAA deleted; deleting any 3 consecutive bases within chr5:112,775,613-112,775,625 gives the same sequence; the c. name uses the placement nearest the transcript's 3' end. VCF-style (leftmost placement, unchanged base first): chr5-112775612-TAAA-T. GRCh37 (hg19) VCF-style: chr5-112111309-TAAA-T.
Other names: c.423-6_423-4del (NM_001354895.2, NM_001127510.3, NM_001354896.2 and 2 more transcripts); c.453-6_453-4del (NM_001354897.2, NM_001354902.2, NM_001127511.3); c.348-6_348-4del (NM_001354898.2, NM_001354904.2); c.-613-6_-613-4del (NM_001354906.2); c.246-6_246-4del (NM_001354900.2, NM_001354901.2, NM_001354905.2); c.423-6_423-4delAAA (NM_000038.5).
Identifiers: ClinVar variation 1330128 (VCV001330128.4), dbSNP rs730881230, ClinGen allele CA3368157.